The following is an entry in ClinVar:

NM_198578.4(LRRK2):c.488T>G (p.Ile163Ser)

Gene: LRRK2 (leucine rich repeat kinase 2; plus strand). Cytogenetic location: 12q12.
Variant type: single nucleotide variant.
Coding change: c.488T>G on transcript NM_198578.4 (MANE Select); coding-DNA position 488, T replaced by G.
Protein change: p.Ile163Ser; replaces isoleucine 163 with serine.
Molecular consequence: missense variant.
Genome position (GRCh38, 1-based): chr12:40,238,020, T>G. VCF-style: chr12-40238020-T-G. GRCh37 (hg19) VCF-style: chr12-40631822-T-G.
Other names: short protein forms I163S.
Identifiers: ClinVar variation 3540760 (VCV003540760.1).
Genomic context (GRCh38, chr12:40,238,020, plus strand): 5'-TTAAAATAGGTAAAATCACCTTGCTGATATTGGATGAAGAAAGTGATATTTTCATGTTAA[T>G]TTTTGATGCCATGCACTCATTTCCAGCCAATGATGAAGTCCAGAAACTTGGATGCAAAGC-3'
Protein context (NP_940980.4, residues 153-173): LDEESDIFML[Ile163Ser]FDAMHSFPAN

ClinVar aggregate classification (germline): Uncertain significance (1 of 4 stars; one submission).

Conditions:
Inborn genetic diseases. Identifiers: MedGen C0950123, MeSH D030342.

gnomAD v4.1: 1 of 1,613,438 alleles (0.000062%); highest among the groups gnomAD compares: South Asian, 0.0011%; no homozygotes.

Submission:

Ambry Genetics
Classification: Uncertain significance for Inborn genetic diseases. Last evaluated: 2024-10-31. Review status: criteria provided, single submitter. Criteria: Ambry Variant Classification Scheme 2023. Collection method: clinical testing. Allele origin: germline.
Comment: The p.I163S variant (also known as c.488T>G), located in coding exon 5 of the LRRK2 gene, results from a T to G substitution at nucleotide position 488. The isoleucine at codon 163 is replaced by serine, an amino acid with dissimilar properties. This amino acid position is conserved. In addition, this alteration is predicted to be deleterious by in silico analysis. Based on the available evidence, the clinical significance of this variant remains unclear.